The following is an entry in ClinVar:

NM_007294.4(BRCA1):c.2311T>C (p.Leu771=)

Gene: BRCA1 (BRCA1 DNA repair associated; minus strand). Cytogenetic location: 17q21.31.
Variant type: single nucleotide variant.
Coding change: c.2311T>C on transcript NM_007294.4 (MANE Select); coding-DNA position 2311, T replaced by C.
Protein change: p.Leu771=; no amino-acid change (leucine 771 retained).
Molecular consequence: synonymous variant. On other transcripts: intron variant (137).
Genome position (GRCh38, 1-based): chr17:43,093,220, A>G on the plus strand (T>C on the coding strand, the complement: BRCA1 is on the minus strand). VCF-style: chr17-43093220-A-G. GRCh37 (hg19) VCF-style: chr17-41245237-A-G.
Other names: 2430T/C; L771L; 2430 T>C; NP_009225.1:p.Leu771=; 2430T>C; c.787+1524T>C (NM_001407993.1, NM_001407976.1, NM_001408404.1 and 17 more transcripts); c.652+1524T>C (NM_001408451.1); c.643+1524T>C (NM_001408464.1, NM_001408468.1, NM_001408465.1 and 3 more transcripts); and 46 more.
Identifiers: ClinVar variation 125554 (VCV000125554.93), dbSNP rs16940, ClinGen allele CA001541.
Genomic context (GRCh38, chr17:43,093,220, plus strand): 5'-GAGTGCTAACTTCCAGTAACGAGATACTTTCCTGAGTGCCATAATCAGTACCAGGTACCA[A>G]TGAAATACTGCTACTCTCTACAGATCTTTCAGTTTGCAAAACCCTTTCTCCACTTAACAT-3'
Protein context (NP_009225.1, residues 761-781): ERSVESSSIS[Leu771=]VPGTDYGTQE

ClinVar aggregate classification (germline): Benign. Review status: reviewed by expert panel (3 of 4 stars). 33 submissions from 33 submitters: Benign (1). 32 of the submissions do not count toward it. Last evaluated 2015-01-12.
ClinVar aggregate classification (somatic clinical impact): Tier IV - Benign/Likely benign (0 of 4 stars; one submission).

Conditions:
Familial cancer of breast. Also called: Hereditary breast cancer; hereditary breast carcinoma; BREAST CANCER, FAMILIAL. Identifiers: Orphanet 227535, MedGen C0346153, MONDO:0016419, OMIM 114480. Disease mechanism: loss of function.
Breast-ovarian cancer, familial, susceptibility to, 1 (BROVCA1). Also called: BRCA1 Hereditary Breast and Ovarian Cancer; OVARIAN CANCER, SUSCEPTIBILITY TO. Identifiers: Orphanet 145, MedGen C2676676, MONDO:0011450, OMIM 604370. Disease mechanism: loss of function.
Pancreatic cancer, susceptibility to, 4. Identifiers: Orphanet 1333, MedGen C3280442, MONDO:0013685, OMIM 614320.
Fanconi anemia, complementation group S (FANCS). Identifiers: MedGen C4554406, MONDO:0054748, OMIM 617883.
Hereditary cancer-predisposing syndrome. Also called: Tumor predisposition; Hereditary neoplastic syndrome; Hereditary Cancer Syndrome; Neoplastic Syndromes, Hereditary. Identifiers: Orphanet 140162, MedGen C0027672, MeSH D009386, MONDO:0015356.
Hereditary breast ovarian cancer syndrome. Also called: Hereditary breast and/or ovarian cancer syndrome; Breast and ovarian cancer; Hereditary breast and ovarian cancer syndrome; Hereditary breast and ovarian cancer; Hereditary breast and ovarian cancer syndrome (HBOC); BRCA1- and BRCA2-Associated Hereditary Breast and Ovarian Cancer. Identifiers: Orphanet 145, MedGen C0677776, MeSH D061325, MONDO:0003582. Disease mechanism: loss of function.

Allele frequency attached by ClinVar (database versions not stated): ESP Exome Variant Server 0.27764; TOPMed 0.28248; gnomAD 0.29035 and 0.29907; 1000 Genomes Project 30x 0.32948; 1000 Genomes Project 0.33526; gnomAD exomes 0.33619 and 0.34739; ExAC 0.34196.

Submissions 1 to 20 of 34:

Evidence-based Network for the Interpretation of Germline Mutant Alleles (ENIGMA)
Classification: Benign for Breast-ovarian cancer, familial 1. Last evaluated: 2015-01-12. Review status: reviewed by expert panel. Criteria: ENIGMA BRCA1/2 Classification Criteria (2015). Collection method: curation. Allele origin: germline.
Comment: Class 1 not pathogenic based on frequency >1% in an outbred sampleset. Frequency 0.3304 (Asian), 0.128 (African), 0.3536 (European), derived from 1000 genomes (2012-04-30).

Labcorp Genetics (formerly Invitae), Labcorp
Classification: Benign for Hereditary breast ovarian cancer syndrome. Last evaluated: 2026-02-04. Review status: criteria provided, single submitter. Criteria: Invitae Variant Classification Sherloc (09022015). Collection method: clinical testing. Allele origin: germline. Not counted in ClinVar's aggregate classification.

ARUP Laboratories, Molecular Genetics and Genomics, ARUP Laboratories
Classification: Benign. Last evaluated: 2025-07-31. Review status: criteria provided, single submitter. Criteria: ARUP Molecular Germline Variant Investigation Process 2024. Collection method: clinical testing. Allele origin: germline. Not counted in ClinVar's aggregate classification.

Blueprint Genetics
Classification: Likely benign. Last evaluated: 2024-11-28. Review status: criteria provided, single submitter. Criteria: ACMG Guidelines, 2015. Collection method: clinical testing. Allele origin: germline. Not counted in ClinVar's aggregate classification.

KCCC/NGS Laboratory, Kuwait Cancer Control Center
Classification: Benign for Breast-ovarian cancer, familial, susceptibility to, 1. Last evaluated: 2023-07-07. Review status: criteria provided, single submitter. Criteria: ACMG Guidelines, 2015. Collection method: clinical testing. Allele origin: germline. Affected: yes. Not counted in ClinVar's aggregate classification.

National Health Laboratory Service, Universitas Academic Hospital and University of the Free State
Classification: Benign for Hereditary breast ovarian cancer syndrome. Last evaluated: 2022-04-19. Review status: criteria provided, single submitter. Criteria: ACMG Guidelines, 2015. Collection method: clinical testing. Allele origin: germline. Affected: yes. Observed: 557 variant alleles. Not counted in ClinVar's aggregate classification.

Genetics Program, Instituto Nacional de Cancer
Classification: Benign for Hereditary breast ovarian cancer syndrome. Last evaluated: 2021-11-01. Review status: criteria provided, single submitter. Criteria: ACMG Guidelines, 2015. Collection method: research. Allele origin: germline. Affected: yes. Not counted in ClinVar's aggregate classification.

Sema4
Classification: Benign for Hereditary cancer-predisposing syndrome. Last evaluated: 2020-02-15. Review status: criteria provided, single submitter. Criteria: Sema4 Curation Guidelines. Collection method: curation. Allele origin: germline. Not counted in ClinVar's aggregate classification.

Fulgent Genetics
Classification: Benign for Familial cancer of breast; Breast-ovarian cancer, familial, susceptibility to, 1; Pancreatic cancer, susceptibility to, 4; Fanconi anemia, complementation group S. Last evaluated: 2018-10-31. Review status: criteria provided, single submitter. Criteria: ACMG Guidelines, 2015. Collection method: clinical testing. Allele origin: unknown. Not counted in ClinVar's aggregate classification.

Illumina Laboratory Services, Illumina
Classification: Benign for Breast-ovarian cancer, familial, susceptibility to, 1. Last evaluated: 2018-01-13. Review status: criteria provided, single submitter. Criteria: ICSL Variant Classification Criteria 13 December 2019. Collection method: clinical testing. Allele origin: germline. Not counted in ClinVar's aggregate classification.
Comment: This variant was observed in the ICSL laboratory as part of a predisposition screen in an ostensibly healthy population. It had not been previously curated by ICSL or reported in the Human Gene Mutation Database (HGMD: prior to June 1st, 2018), and was therefore a candidate for classification through an automated scoring system. Utilizing variant allele frequency, disease prevalence and penetrance estimates, and inheritance mode, an automated score was calculated to assess if this variant is too frequent to cause the disease. Based on the score and internal cut-off values, a variant classified as benign is not then subjected to further curation. The score for this variant resulted in a classification of benign for this disease.

GeneKor MSA
Classification: Benign. Last evaluated: 2017-11-01. Review status: criteria provided, single submitter. Criteria: ACMG Guidelines, 2015. Collection method: clinical testing. Allele origin: germline. Affected: yes. Not counted in ClinVar's aggregate classification.

Cancer Genetics and Genomics Laboratory, British Columbia Cancer Agency
Classification: Benign. Last evaluated: 2017-04-18. Review status: criteria provided, single submitter. Criteria: ACMG Guidelines, 2015. Collection method: clinical testing. Allele origin: germline. Study: The Canadian Open Genetics Repository (COGR). Not counted in ClinVar's aggregate classification.

Baylor Genetics
Classification: Benign for Familial cancer of breast. Last evaluated: 2017-02-23. Review status: criteria provided, single submitter. Criteria: ACMG Guidelines, 2015. Collection method: clinical testing. Allele origin: germline. Inheritance: Autosomal dominant inheritance. Affected: no. Not counted in ClinVar's aggregate classification.

Laboratory for Molecular Medicine, Mass General Brigham Personalized Medicine
Classification: Benign. Last evaluated: 2016-12-02. Review status: criteria provided, single submitter. Criteria: LMM Criteria. Collection method: clinical testing. Allele origin: germline. Observed: 4 variant alleles. Not counted in ClinVar's aggregate classification.
Comment: p.Leu771Leu in exon 10 of BRCA1: This variant is not expected to have clinical s ignificance because it has been identified in 50% (8241/16498) of South Asian ch romosomes by the Exome Aggregation Consortium (ExAC. org; dbSNP rs16940).

Eurofins Ntd Llc (ga)
Classification: Benign. Last evaluated: 2016-01-07. Review status: criteria provided, single submitter. Criteria: EGL Classification Definitions 2015. Collection method: clinical testing. Allele origin: germline. Observed: 207 variant alleles, 179 heterozygotes, 28 homozygotes. Not counted in ClinVar's aggregate classification.

Clinical Genetics DNA and cytogenetics Diagnostics Lab, Erasmus MC, Erasmus Medical Center
Classification: Benign for Breast-ovarian cancer, familial, susceptibility to, 1. Last evaluated: 2015-09-21. Review status: criteria provided, single submitter. Criteria: ACGS Guidelines, 2013. Collection method: clinical testing. Allele origin: germline. Affected: yes. Study: VKGL Data-share Consensus. Not counted in ClinVar's aggregate classification.

Color Diagnostics, LLC DBA Color Health
Classification: Benign for Hereditary cancer-predisposing syndrome. Last evaluated: 2015-03-31. Review status: criteria provided, single submitter. Criteria: ACMG Guidelines, 2015. Collection method: clinical testing. Allele origin: germline. Not counted in ClinVar's aggregate classification.

Molecular Genetics Laboratory, University of Michigan
Classification: Benign for Breast-ovarian cancer, familial, susceptibility to, 1. Last evaluated: 2014-11-03. Review status: criteria provided, single submitter. Criteria: ACMG Guidelines, 2015. Collection method: clinical testing. Allele origin: germline. Affected: yes. Not counted in ClinVar's aggregate classification.

Genome Diagnostics Laboratory, University Medical Center Utrecht
Classification: Benign for Breast-ovarian cancer, familial, susceptibility to, 1. Last evaluated: 2014-10-10. Review status: criteria provided, single submitter. Criteria: ACGS Guidelines, 2013. Collection method: clinical testing. Allele origin: germline. Affected: yes. Study: VKGL Data-share Consensus. Not counted in ClinVar's aggregate classification.

Ambry Genetics
Classification: Benign for Hereditary cancer-predisposing syndrome. Last evaluated: 2014-08-01. Review status: criteria provided, single submitter. Criteria: Ambry Variant Classification Scheme 2023. Collection method: clinical testing. Allele origin: germline. Not counted in ClinVar's aggregate classification.